The following is an entry in ClinVar:

NM_001346249.2(RALGAPA1):c.1952C>A (p.Ser651Ter)

Gene: RALGAPA1 (Ral GTPase activating protein catalytic subunit alpha 1; minus strand). Cytogenetic location: 14q13.2.
Variant type: single nucleotide variant.
Coding change: c.1952C>A on transcript NM_001346249.2 (MANE Select); coding-DNA position 1952, C replaced by A.
Protein change: p.Ser651Ter; replaces serine 651 with a stop codon.
Molecular consequence: nonsense.
Genome position (GRCh38, 1-based): chr14:35,723,179, G>T on the plus strand (C>A on the coding strand, the complement: RALGAPA1 is on the minus strand). VCF-style: chr14-35723179-G-T. GRCh37 (hg19) VCF-style: chr14-36192385-G-T.
Other names: c.1952C>A, p.Ser651Ter (NM_001283043.3, NM_001283044.3, NM_001330075.3 and 7 more transcripts); short protein forms S651*.
Identifiers: ClinVar variation 4537871 (VCV004537871.1).

ClinVar aggregate classification (germline): Likely pathogenic (1 of 4 stars; one submission).

Submission:

GeneDx
Classification: Likely pathogenic. Last evaluated: 2025-06-11. Review status: criteria provided, single submitter. Criteria: GeneDx Variant Classification Process June 2021. Collection method: clinical testing. Allele origin: germline. Affected: yes.
Comment: Nonsense variant predicted to result in protein truncation or nonsense mediated decay in a gene for which loss of function is a known mechanism of disease; Not observed at significant frequency in large population cohorts (gnomAD); Has not been previously published as pathogenic or benign to our knowledge